The following is an entry in ClinVar:

ClinVar aggregate classification (germline): Uncertain significance (1 of 4 stars; one submission).

Allele frequency attached by ClinVar (database versions not stated): gnomAD exomes 0.00001.
gnomAD v4.1: 11 of 1,614,048 alleles (0.00068%); highest among the groups gnomAD compares: Admixed American, 0.0017%; no homozygotes.

Submission:

Labcorp Genetics (formerly Invitae), Labcorp
Classification: Uncertain significance. Last evaluated: 2024-12-09. Review status: criteria provided, single submitter. Criteria: Invitae Variant Classification Sherloc (09022015). Collection method: clinical testing. Allele origin: germline.
Comment: This sequence change replaces valine, which is neutral and non-polar, with isoleucine, which is neutral and non-polar, at codon 352 of the CSGALNACT1 protein (p.Val352Ile). This variant is present in population databases (no rsID available, gnomAD 0.003%). This variant has not been reported in the literature in individuals affected with CSGALNACT1-related conditions. ClinVar contains an entry for this variant (Variation ID: 1932122). Invitae Evidence Modeling of protein sequence and biophysical properties (such as structural, functional, and spatial information, amino acid conservation, physicochemical variation, residue mobility, and thermodynamic stability) indicates that this missense variant is not expected to disrupt CSGALNACT1 protein function with a negative predictive value of 80%. In summary, the available evidence is currently insufficient to determine the role of this variant in disease. Therefore, it has been classified as a Variant of Uncertain Significance.

NM_001354483.2(CSGALNACT1):c.1054G>A (p.Val352Ile)

Gene: CSGALNACT1 (chondroitin sulfate N-acetylgalactosaminyltransferase 1; minus strand). Cytogenetic location: 8p21.3.
Variant type: single nucleotide variant.
Coding change: c.1054G>A on transcript NM_001354483.2 (MANE Select); coding-DNA position 1054, G replaced by A.
Protein change: p.Val352Ile; replaces valine 352 with isoleucine.
Molecular consequence: missense variant. On other transcripts: non-coding transcript variant (7).
Genome position (GRCh38, 1-based): chr8:19,420,418, C>T on the plus strand (G>A on the coding strand, the complement: CSGALNACT1 is on the minus strand). VCF-style: chr8-19420418-C-T. GRCh37 (hg19) VCF-style: chr8-19277929-C-T.
Other names: c.1054G>A, p.Val352Ile (NM_001130518.2, NM_001354475.2, NM_001354476.2 and 18 more transcripts); short protein forms V352I.
Identifiers: ClinVar variation 1932122 (VCV001932122.5), dbSNP rs999225518, ClinGen allele CA173300878.